The following is an entry in ClinVar:

NM_005592.4(MUSK):c.1038G>C (p.Glu346Asp)

Gene: MUSK (muscle associated receptor tyrosine kinase; plus strand). Cytogenetic location: 9q31.3.
Variant type: single nucleotide variant.
Coding change: c.1038G>C on transcript NM_005592.4 (MANE Select); coding-DNA position 1038, G replaced by C.
Protein change: p.Glu346Asp; replaces glutamic acid 346 with aspartic acid.
Molecular consequence: missense variant. On other transcripts: 5 prime UTR variant (1), intron variant (2).
Genome position (GRCh38, 1-based): chr9:110,767,937, G>C. VCF-style: chr9-110767937-G-C. GRCh37 (hg19) VCF-style: chr9-113530217-G-C.
Other names: c.-199G>C (NM_001369398.1); c.950+5729G>C (NM_001166280.2); c.920+5729G>C (NM_001166281.2); short protein forms E346D.
Identifiers: ClinVar variation 542740 (VCV000542740.9), dbSNP rs764142979, ClinGen allele CA374468961.

ClinVar aggregate classification (germline): Uncertain significance (1 of 4 stars; one submission).

Conditions:
Fetal akinesia deformation sequence 1 (FADS1). Also called: Fetal akinesia sequence; Pena-Shokeir syndrome type I. Identifiers: Orphanet 994, MedGen C1276035, MONDO:0100101, OMIM 208150, HP:0001989.
Congenital myasthenic syndrome 9. Also called: Myasthenic syndrome, congenital, 9, associated with acetylcholine receptor deficiency. Identifiers: Orphanet 590, MedGen C4225368, MONDO:0014587, OMIM 616325.

Submission:

Labcorp Genetics (formerly Invitae), Labcorp
Classification: Uncertain significance for Congenital myasthenic syndrome 9; Fetal akinesia deformation sequence 1. Last evaluated: 2022-11-16. Review status: criteria provided, single submitter. Criteria: Invitae Variant Classification Sherloc (09022015). Collection method: clinical testing. Allele origin: germline.
Comment: In summary, the available evidence is currently insufficient to determine the role of this variant in disease. Therefore, it has been classified as a Variant of Uncertain Significance. Advanced modeling of protein sequence and biophysical properties (such as structural, functional, and spatial information, amino acid conservation, physicochemical variation, residue mobility, and thermodynamic stability) performed at Invitae indicates that this missense variant is not expected to disrupt MUSK protein function. ClinVar contains an entry for this variant (Variation ID: 542740). This variant has not been reported in the literature in individuals affected with MUSK-related conditions. This variant is not present in population databases (gnomAD no frequency). This sequence change replaces glutamic acid, which is acidic and polar, with aspartic acid, which is acidic and polar, at codon 346 of the MUSK protein (p.Glu346Asp).